The following is an entry in ClinVar:

ClinVar aggregate classification (germline): Pathogenic (1 of 4 stars; one submission).

Conditions:
Alstrom syndrome (ALMS). Identifiers: Orphanet 64, MedGen C0268425, MONDO:0008763, OMIM 203800.

Submission:

Labcorp Genetics (formerly Invitae), Labcorp
Classification: Pathogenic for Alstrom syndrome. Last evaluated: 2024-02-17. Review status: criteria provided, single submitter. Criteria: Invitae Variant Classification Sherloc (09022015). Collection method: clinical testing. Allele origin: germline.
Comment: This sequence change creates a premature translational stop signal (p.Leu4060*) in the ALMS1 gene. It is expected to result in an absent or disrupted protein product. Loss-of-function variants in ALMS1 are known to be pathogenic (PMID: 17594715). This variant is not present in population databases (gnomAD no frequency). This variant has not been reported in the literature in individuals affected with ALMS1-related conditions. For these reasons, this variant has been classified as Pathogenic.

Literature cited by the submitters: PubMed 17594715.

NM_001378454.1(ALMS1):c.12175del (p.Arg4058_Leu4059insTer)

Genes: ALMS1 (ALMS1 centrosome and basal body associated protein; plus strand), LOC126806252 (BRD4-independent group 4 enhancer GRCh37_chr2:73828496-73829695; plus strand). Cytogenetic location: 2p13.1.
Variant type: Deletion.
Coding change: c.12175del on transcript NM_001378454.1 (MANE Select); coding-DNA position 12175, one base deleted (C; older notation c.12175delC).
Protein change: p.Arg4058_Leu4059insTer.
Molecular consequence: nonsense.
Genome position (GRCh38, 1-based): chr2:73,602,245, C deleted; the last of 2 consecutive C bases (chr2:73,602,244-73,602,245); deleting either gives the same sequence. VCF-style (leftmost placement, unchanged base first): chr2-73602243-GC-G. GRCh37 (hg19) VCF-style: chr2-73829370-GC-G.
Other names: c.12178del, p.Arg4059_Leu4060insTer (NM_015120.4).
Identifiers: ClinVar variation 2784555 (VCV002784555.3), dbSNP rs2466526261, ClinGen allele CA2739271109.